The following is an entry in ClinVar:

NM_002340.6(LSS):c.1313G>A (p.Arg438His)

Gene: LSS (lanosterol synthase; minus strand). Cytogenetic location: 21q22.3.
Variant type: single nucleotide variant.
Coding change: c.1313G>A on transcript NM_002340.6 (MANE Select); coding-DNA position 1313, G replaced by A.
Protein change: p.Arg438His; replaces arginine 438 with histidine.
Molecular consequence: missense variant.
Genome position (GRCh38, 1-based): chr21:46,208,255, C>T on the plus strand (G>A on the coding strand, the complement: LSS is on the minus strand). VCF-style: chr21-46208255-C-T. GRCh37 (hg19) VCF-style: chr21-47628169-C-T.
Other names: c.1313G>A, p.Arg438His (NM_001001438.3); c.1280G>A, p.Arg427His (NM_001145436.2); c.1073G>A, p.Arg358His (NM_001145437.2); short protein forms R438H, R427H, R358H.
Identifiers: ClinVar variation 2179667 (VCV002179667.4), dbSNP rs138907803, ClinGen allele CA10075048.
Genomic context (GRCh38, chr21:46,208,255, plus strand): 5'-GCTGAGGGCGGCCTCCCCTGGGGGACGGGACAGGGATGGGGCTGGCTCCCGCATACCTTG[C>T]GCATCTGGCGGTAGTACTTCTGGTAGTCGGGAGGGTTATCTGGGACCTGGGCAGCATCGA-3'
Protein context (NP_002331.3, residues 428-448): PDYQKYYRQM[Arg438His]KGGFSFSTLD

ClinVar aggregate classification (germline): Uncertain significance (1 of 4 stars; one submission).

Allele frequency attached by ClinVar (database versions not stated): gnomAD 0.00003; ExAC 0.00005; ESP Exome Variant Server 0.00008.
gnomAD v4.1: 28 of 1,552,218 alleles (0.0018%); highest among the groups gnomAD compares: East Asian, 0.012%; no homozygotes.

Submission:

Labcorp Genetics (formerly Invitae), Labcorp
Classification: Uncertain significance. Last evaluated: 2022-01-31. Review status: criteria provided, single submitter. Criteria: Invitae Variant Classification Sherloc (09022015). Collection method: clinical testing. Allele origin: germline.
Comment: In summary, the available evidence is currently insufficient to determine the role of this variant in disease. Therefore, it has been classified as a Variant of Uncertain Significance. Algorithms developed to predict the effect of missense changes on protein structure and function output the following: SIFT: "Tolerated"; PolyPhen-2: "Benign"; Align-GVGD: "Class C0". The histidine amino acid residue is found in multiple mammalian species, which suggests that this missense change does not adversely affect protein function. This variant has not been reported in the literature in individuals affected with LSS-related conditions. The frequency data for this variant in the population databases is considered unreliable, as metrics indicate poor data quality at this position in the gnomAD database. This sequence change replaces arginine, which is basic and polar, with histidine, which is basic and polar, at codon 438 of the LSS protein (p.Arg438His).